The following is an entry in ClinVar:

NM_018026.4(PACS1):c.2152G>T (p.Ala718Ser)

Gene: PACS1 (phosphofurin acidic cluster sorting protein 1; plus strand). Cytogenetic location: 11q13.2.
Variant type: single nucleotide variant.
Coding change: c.2152G>T on transcript NM_018026.4 (MANE Select); coding-DNA position 2152, G replaced by T.
Protein change: p.Ala718Ser; replaces alanine 718 with serine.
Molecular consequence: missense variant.
Genome position (GRCh38, 1-based): chr11:66,235,348, G>T. VCF-style: chr11-66235348-G-T. GRCh37 (hg19) VCF-style: chr11-66002819-G-T.
Other names: short protein forms A718S.
Identifiers: ClinVar variation 2861841 (VCV002861841.3), dbSNP rs751154042, ClinGen allele CA6116796.

ClinVar aggregate classification (germline): Uncertain significance (1 of 4 stars; one submission).

Conditions:
Schuurs-Hoeijmakers syndrome. Also called: PACS1-Related Neurodevelopmental Disorder. Identifiers: Orphanet 329224, MedGen C3554343, MONDO:0014006, OMIM 615009.

Allele frequency attached by ClinVar (database versions not stated): ExAC 0.00001.
gnomAD v4.1: 2 of 1,614,088 alleles (0.00012%); highest among the groups gnomAD compares: Admixed American, 0.0033%; no homozygotes.

Submission:

Labcorp Genetics (formerly Invitae), Labcorp
Classification: Uncertain significance for Schuurs-Hoeijmakers syndrome. Last evaluated: 2024-12-07. Review status: criteria provided, single submitter. Criteria: Invitae Variant Classification Sherloc (09022015). Collection method: clinical testing. Allele origin: germline.
Comment: This sequence change replaces alanine, which is neutral and non-polar, with serine, which is neutral and polar, at codon 718 of the PACS1 protein (p.Ala718Ser). This variant is present in population databases (rs751154042, gnomAD 0.006%). This variant has not been reported in the literature in individuals affected with PACS1-related conditions. ClinVar contains an entry for this variant (Variation ID: 2861841). Invitae Evidence Modeling of protein sequence and biophysical properties (such as structural, functional, and spatial information, amino acid conservation, physicochemical variation, residue mobility, and thermodynamic stability) indicates that this missense variant is not expected to disrupt PACS1 protein function with a negative predictive value of 80%. In summary, the available evidence is currently insufficient to determine the role of this variant in disease. Therefore, it has been classified as a Variant of Uncertain Significance.